The following is an entry in ClinVar:

ClinVar aggregate classification (germline): Uncertain significance (1 of 4 stars; one submission).

Conditions:
Ehlers-Danlos syndrome, classic type, 1 (EDSCL1). Also called: EHLERS-DANLOS SYNDROME, GRAVIS TYPE; EHLERS-DANLOS SYNDROME, SEVERE CLASSIC TYPE; Ehlers-Danlos syndrome, type 1; Ehlers-Danlos Syndrome, Classic Type, COL5A1-Related; EDS I. Identifiers: MedGen C0268335, MONDO:0019567, OMIM 130000.
Osteogenesis imperfecta type I (OI1). Also called: OI, TYPE I; OSTEOGENESIS IMPERFECTA TARDA; OSTEOGENESIS IMPERFECTA WITH BLUE SCLERAE; Osteogenesis imperfecta type 1; Lobstein's Disease; Lobstein disease. Identifiers: Orphanet 216796, Orphanet 666, MedGen C0023931, MONDO:0008146, OMIM 166200. Disease mechanism: loss of function.

gnomAD v4.1: 1 of 1,550,412 alleles (0.000064%); no homozygotes.

Submission:

Labcorp Genetics (formerly Invitae), Labcorp
Classification: Uncertain significance for Osteogenesis imperfecta type I; Ehlers-Danlos syndrome, classic type, 1. Last evaluated: 2025-06-29. Review status: criteria provided, single submitter. Criteria: Invitae Variant Classification Sherloc (09022015). Collection method: clinical testing. Allele origin: germline.
Comment: This sequence change replaces proline, which is neutral and non-polar, with leucine, which is neutral and non-polar, at codon 383 of the COL1A2 protein (p.Pro383Leu). This variant is not present in population databases (gnomAD no frequency). This variant has not been reported in the literature in individuals affected with COL1A2-related conditions. Invitae Evidence Modeling of protein sequence and biophysical properties (such as structural, functional, and spatial information, amino acid conservation, physicochemical variation, residue mobility, and thermodynamic stability) indicates that this missense variant is not expected to disrupt COL1A2 protein function with a negative predictive value of 95%. In summary, the available evidence is currently insufficient to determine the role of this variant in disease. Therefore, it has been classified as a Variant of Uncertain Significance.

NM_000089.4(COL1A2):c.1148C>T (p.Pro383Leu)

Gene: COL1A2 (collagen type I alpha 2 chain; plus strand). Cytogenetic location: 7q21.3.
Variant type: single nucleotide variant.
Coding change: c.1148C>T on transcript NM_000089.4 (MANE Select); coding-DNA position 1148, C replaced by T.
Protein change: p.Pro383Leu; replaces proline 383 with leucine.
Molecular consequence: missense variant.
Genome position (GRCh38, 1-based): chr7:94,410,478, C>T. VCF-style: chr7-94410478-C-T. GRCh37 (hg19) VCF-style: chr7-94039790-C-T.
Other names: short protein forms P383L.
Identifiers: ClinVar variation 4782349 (VCV004782349.1).